The following is an entry in ClinVar:

ClinVar aggregate classification (germline): Uncertain significance. Review status: criteria provided, multiple submitters, no conflicts (2 of 4 stars). 3 submissions from 3 submitters: Uncertain significance (3). Last evaluated 2023-10-02.

Conditions:
Peutz-Jeghers syndrome (PJS). Also called: Peutz-Jeghers polyposis; Periorificial lentiginosis syndrome; POLYPOSIS, HAMARTOMATOUS INTESTINAL; POLYPS-AND-SPOTS SYNDROME. Identifiers: Orphanet 2869, MedGen C0031269, MeSH D010580, MONDO:0008280, OMIM 175200.
Hereditary cancer-predisposing syndrome. Also called: Hereditary neoplastic syndrome; Tumor predisposition; Neoplastic Syndromes, Hereditary; Hereditary Cancer Syndrome. Identifiers: Orphanet 140162, MedGen C0027672, MeSH D009386, MONDO:0015356.

Submissions (3):

All of Us Research Program, National Institutes of Health
Classification: Uncertain significance for Peutz-Jeghers syndrome. Last evaluated: 2023-10-02. Review status: criteria provided, single submitter. Criteria: ACMG Guidelines, 2015. Collection method: clinical testing. Allele origin: germline. Inheritance: Autosomal dominant inheritance. Observed: 1 variant allele, 1 heterozygote.
Comment: This variant deletes 27 nucleotide in exon 10 and part of 3' UTR of the STK11 gene, causing a frameshift in the last exon and deletion of the last 3 amino acids. This results in a protein product that is 160 amino acids longer than the normal protein product. To our knowledge, functional studies have not been reported for this variant. This variant has not been reported in individuals affected with STK11-related disorders in the literature. This variant has not been identified in the general population by the Genome Aggregation Database (gnomAD). The available evidence is insufficient to determine the role of this variant in disease conclusively. Therefore, this variant is classified as a Variant of Uncertain Significance.

This study involves interpretation of variants in research participants for the purpose of population health screening. Participant phenotype was not available at the time of variant classification. Additional details can be found in publication PMID: 35346344, PMCID: PMC8962531

Labcorp Genetics (formerly Invitae), Labcorp
Classification: Uncertain significance for Peutz-Jeghers syndrome. Last evaluated: 2021-09-29. Review status: criteria provided, single submitter. Criteria: Invitae Variant Classification Sherloc (09022015). Collection method: clinical testing. Allele origin: germline.
Comment: In summary, the available evidence is currently insufficient to determine the role of this variant in disease. Therefore, it has been classified as a Variant of Uncertain Significance. Experimental studies and prediction algorithms are not available or were not evaluated, and the functional significance of this variant is currently unknown. This variant has not been reported in the literature in individuals with STK11-related conditions. The frequency data for this variant in the population databases is considered unreliable, as metrics indicate insufficient coverage at this position in the ExAC database. This sequence change results in a frameshift in the STK11 gene (p.Lys431Serfs*164). While this is not anticipated to result in nonsense mediated decay, it is expected to disrupt the last 3 amino acids of the STK11 protein and extend the protein by an additional 160 amino acids.

Ambry Genetics
Classification: Uncertain significance for Hereditary cancer-predisposing syndrome. Last evaluated: 2018-10-11. Review status: criteria provided, single submitter. Criteria: Ambry Variant Classification Scheme 2023. Collection method: clinical testing. Allele origin: germline.
Comment: The c.1292_*15del26 variant, located in coding exon 9 into the 3' untranslated region of the STK11 gene, results from a deletion of 26 nucleotides at position 1292 to 15 nucleotides beyond the coding sequence, causing a translational frameshift with a predicted alternate stop codon (p.K431Sfs*164). Frameshifts are typically deleterious in nature, however, this frameshift occurs at the 3' terminus of STK11, is not expected to trigger nonsense-mediated mRNA decay, and results in the elongation of the protein by 161 amino acids. The exact functional impact of these inserted amino acids is unknown at this time. Since supporting evidence is limited at this time, the clinical significance of this alteration remains unclear.

NM_000455.5(STK11):c.1292_*15del (p.Lys431fs)

Gene: STK11 (serine/threonine kinase 11; plus strand). Cytogenetic location: 19p13.3.
Variant type: Deletion.
Coding change: c.1292_*15del on transcript NM_000455.5 (MANE Select); coding-DNA position 1292 through 15 bases downstream of the stop codon, 26 bases deleted (AGCAGCAGTGAGGCTGGCCGCCTGCA).
Protein change: p.Lys431fs; shifts the reading frame from lysine 431.
Molecular consequence: frameshift variant.
Genome position (GRCh38, 1-based): chr19:1,226,637-1,226,662, AGCAGCAGTGAGGCTGGCCGCCTGCA deleted; deleting any 26 consecutive bases within chr19:1,226,630-1,226,662 gives the same sequence; the c. name uses the placement nearest the transcript's 3' end. VCF-style (leftmost placement, unchanged base first): chr19-1226629-GGCCTGCAAGCAGCAGTGAGGCTGGCC-G. GRCh37 (hg19) VCF-style: chr19-1226628-GGCCTGCAAGCAGCAGTGAGGCTGGCC-G.
Other names: c.1292_*15del26 (NM_000455.4); short protein forms K431fs.
Identifiers: ClinVar variation 959965 (VCV000959965.9), dbSNP rs1555740288, ClinGen allele CA1139666163.